The following is an entry in ClinVar:

NM_014921.5(ADGRL1):c.629G>A (p.Gly210Asp)

Genes: ADGRL1 (adhesion G protein-coupled receptor L1; minus strand), ADGRL1-AS1 (ADGRL1 antisense RNA 1; plus strand). Cytogenetic location: 19p13.12.
Variant type: single nucleotide variant.
Coding change: c.629G>A on transcript NM_014921.5 (MANE Select); coding-DNA position 629, G replaced by A.
Protein change: p.Gly210Asp; replaces glycine 210 with aspartic acid.
Molecular consequence: missense variant.
Genome position (GRCh38, 1-based): chr19:14,163,172, C>T on the plus strand (G>A on the coding strand, the complement: ADGRL1 is on the minus strand). VCF-style: chr19-14163172-C-T. GRCh37 (hg19) VCF-style: chr19-14273984-C-T.
Other names: c.644G>A, p.Gly215Asp (NM_001008701.3); short protein forms G215D, G210D.
Identifiers: ClinVar variation 4996761 (VCV004996761.1).

ClinVar aggregate classification (germline): Uncertain significance (1 of 4 stars; one submission).

Conditions:
ADGRL1-related condition.

Submission:

PreventionGenetics, part of Exact Sciences
Classification: Uncertain significance for ADGRL1-related condition. Last evaluated: 2024-11-27. Review status: criteria provided, single submitter. Criteria: ACMG Guidelines, 2015. Collection method: clinical testing. Allele origin: germline.
Comment: The ADGRL1 c.644G>A variant is predicted to result in the amino acid substitution p.Gly215Asp. To our knowledge, this variant has not been reported in the literature or in a large population database (gnomAD), indicating this variant is rare. At this time, the clinical significance of this variant is uncertain due to the absence of conclusive functional and genetic evidence.